The following is an entry in ClinVar:

ClinVar aggregate classification (germline): Conflicting classifications of pathogenicity. Review status: criteria provided, conflicting classifications (1 of 4 stars). 5 submissions from 5 submitters: Uncertain significance (2); Likely benign (3). Last evaluated 2025-03-01.

Conditions:
Hereditary breast ovarian cancer syndrome. Also called: Hereditary breast and ovarian cancer syndrome; BRCA1- and BRCA2-Associated Hereditary Breast and Ovarian Cancer; Breast and ovarian cancer; Hereditary breast and/or ovarian cancer syndrome; Hereditary breast and ovarian cancer; Hereditary breast and ovarian cancer syndrome (HBOC). Identifiers: Orphanet 145, MedGen C0677776, MeSH D061325, MONDO:0003582. Disease mechanism: loss of function.
Hereditary cancer-predisposing syndrome. Also called: Neoplastic Syndromes, Hereditary; Tumor predisposition; Hereditary Cancer Syndrome; Hereditary neoplastic syndrome. Identifiers: Orphanet 140162, MedGen C0027672, MeSH D009386, MONDO:0015356.

Allele frequency attached by ClinVar (database versions not stated): 1000 Genomes Project 30x 0.00047.
gnomAD v4.1: 6 of 1,610,032 alleles (0.00037%); highest among the groups gnomAD compares: South Asian, 0.0022%; 1 homozygote.

Submissions (5):

Labcorp Genetics (formerly Invitae), Labcorp
Classification: Uncertain significance for Hereditary breast ovarian cancer syndrome. Last evaluated: 2025-03-01. Review status: criteria provided, single submitter. Criteria: Invitae Variant Classification Sherloc (09022015). Collection method: clinical testing. Allele origin: germline.
Comment: This sequence change replaces isoleucine, which is neutral and non-polar, with valine, which is neutral and non-polar, at codon 594 of the BRCA2 protein (p.Ile594Val). This variant is not present in population databases (gnomAD no frequency). This variant has not been reported in the literature in individuals affected with BRCA2-related conditions. ClinVar contains an entry for this variant (Variation ID: 232665). Invitae Evidence Modeling of protein sequence and biophysical properties (such as structural, functional, and spatial information, amino acid conservation, physicochemical variation, residue mobility, and thermodynamic stability) indicates that this missense variant is not expected to disrupt BRCA2 protein function with a negative predictive value of 95%. In summary, the available evidence is currently insufficient to determine the role of this variant in disease. Therefore, it has been classified as a Variant of Uncertain Significance.

GeneDx
Classification: Uncertain significance. Last evaluated: 2023-05-08. Review status: criteria provided, single submitter. Criteria: GeneDx Variant Classification Process June 2021. Collection method: clinical testing. Allele origin: germline. Affected: yes.
Comment: Observed in individuals with a personal and/or family history of cancer (Li et al., 2020); Not observed at significant frequency in large population cohorts (gnomAD); In silico analysis supports that this missense variant does not alter protein structure/function; Also known as 2008A>G; This variant is associated with the following publications: (PMID: 29884841, 35464868, 32377563, 31911673, 31853058)

University of Washington Department of Laboratory Medicine, University of Washington
Classification: Likely benign for Hereditary cancer-predisposing syndrome. Last evaluated: 2023-03-23. Review status: criteria provided, single submitter. Criteria: Dines et al. (Genet Med. 2020). Collection method: curation. Allele origin: germline.
Comment: Missense variant in a coldspot region where missense variants are very unlikely to be pathogenic (PMID:31911673).

BRCA2 exon 10 coldspot. Reclassification based on statistical prior probability.

Ambry Genetics
Classification: Likely benign for Hereditary cancer-predisposing syndrome. Last evaluated: 2022-05-02. Review status: criteria provided, single submitter. Criteria: Ambry Variant Classification Scheme 2023. Collection method: clinical testing. Allele origin: germline.

National Health Laboratory Service, Universitas Academic Hospital and University of the Free State
Classification: Likely benign for Hereditary breast ovarian cancer syndrome. Last evaluated: 2021-11-16. Review status: criteria provided, single submitter. Criteria: ACMG Guidelines, 2015. Collection method: clinical testing. Allele origin: germline. Affected: yes. Observed: 1 variant allele.

Literature cited by the submitters: DOI 10.3389/fgene.2022.834265 (cited by National Health Laboratory Service, Universitas Academic Hospital and University of the Free State).

NM_000059.4(BRCA2):c.1780A>G (p.Ile594Val)

Gene: BRCA2 (BRCA2 DNA repair associated; plus strand). Cytogenetic location: 13q13.1.
Variant type: single nucleotide variant.
Coding change: c.1780A>G on transcript NM_000059.4 (MANE Select); coding-DNA position 1780, A replaced by G.
Protein change: p.Ile594Val; replaces isoleucine 594 with valine.
Molecular consequence: missense variant.
Genome position (GRCh38, 1-based): chr13:32,333,258, A>G. VCF-style: chr13-32333258-A-G. GRCh37 (hg19) VCF-style: chr13-32907395-A-G.
Other names: NP_000050.3:p.Ile594Val; short protein forms I594V.
Identifiers: ClinVar variation 232665 (VCV000232665.31), dbSNP rs431825287, ClinGen allele CA10579506.